The following is an entry in ClinVar:

ClinVar aggregate classification (germline): Uncertain significance (1 of 4 stars; one submission).

Conditions:
Atrial fibrillation, familial, 6 (ATFB6). Identifiers: MedGen C2677294, MONDO:0012816, OMIM 612201.

Allele frequency attached by ClinVar (database versions not stated): TOPMed below 0.00001; gnomAD 0.00001; gnomAD exomes 0.00001 and 0.00004; ExAC 0.00005.

Submission:

Labcorp Genetics (formerly Invitae), Labcorp
Classification: Uncertain significance for Atrial fibrillation, familial, 6. Last evaluated: 2023-08-04. Review status: criteria provided, single submitter. Criteria: Invitae Variant Classification Sherloc (09022015). Collection method: clinical testing. Allele origin: germline.
Comment: This sequence change replaces isoleucine, which is neutral and non-polar, with threonine, which is neutral and polar, at codon 138 of the NPPA protein (p.Ile138Thr). This variant is present in population databases (rs762638785, gnomAD 0.03%). This missense change has been observed in individual(s) with atrial fibrillation (PMID: 20064500). An algorithm developed to predict the effect of missense changes on protein structure and function (PolyPhen-2) suggests that this variant is likely to be disruptive. ClinVar contains an entry for this variant (Variation ID: 1356904). Experimental studies have shown that this missense change affects NPPA function (PMID: 31034774). In summary, the available evidence is currently insufficient to determine the role of this variant in disease. Therefore, it has been classified as a Variant of Uncertain Significance.

Literature cited by the submitters: PubMed 20064500; PubMed 31034774.

NM_006172.4(NPPA):c.413T>C (p.Ile138Thr)

Genes: NPPA (natriuretic peptide A; minus strand), NPPA-AS1 (NPPA antisense RNA 1; plus strand), LOC114827827 (VISTA enhancer hs2123; plus strand). Cytogenetic location: 1p36.22.
Variant type: single nucleotide variant.
Coding change: c.413T>C on transcript NM_006172.4 (MANE Select); coding-DNA position 413, T replaced by C.
Protein change: p.Ile138Thr; replaces isoleucine 138 with threonine.
Molecular consequence: missense variant.
Genome position (GRCh38, 1-based): chr1:11,847,150, A>G on the plus strand (T>C on the coding strand, the complement: NPPA is on the minus strand). VCF-style: chr1-11847150-A-G. GRCh37 (hg19) VCF-style: chr1-11907207-A-G.
Other names: short protein forms I138T.
Identifiers: ClinVar variation 1356904 (VCV001356904.8), dbSNP rs762638785, ClinGen allele CA597010.